The following is an entry in ClinVar:

NM_138576.4(BCL11B):c.991A>G (p.Ser331Gly)

Gene: BCL11B (BCL11 transcription factor B; minus strand). Cytogenetic location: 14q32.2.
Variant type: single nucleotide variant.
Coding change: c.991A>G on transcript NM_138576.4 (MANE Select); coding-DNA position 991, A replaced by G.
Protein change: p.Ser331Gly; replaces serine 331 with glycine.
Molecular consequence: missense variant.
Genome position (GRCh38, 1-based): chr14:99,175,845, T>C on the plus strand (A>G on the coding strand, the complement: BCL11B is on the minus strand). VCF-style: chr14-99175845-T-C. GRCh37 (hg19) VCF-style: chr14-99642182-T-C.
Other names: c.988A>G, p.Ser330Gly (NM_001282237.2); c.775A>G, p.Ser259Gly (NM_001282238.2); c.778A>G, p.Ser260Gly (NM_022898.3); short protein forms S259G, S260G, S331G, S330G.
Identifiers: ClinVar variation 3661995 (VCV003661995.2).

ClinVar aggregate classification (germline): Uncertain significance (1 of 4 stars; one submission).

Submission:

Labcorp Genetics (formerly Invitae), Labcorp
Classification: Uncertain significance. Last evaluated: 2024-08-12. Review status: criteria provided, single submitter. Criteria: Invitae Variant Classification Sherloc (09022015). Collection method: clinical testing. Allele origin: germline.
Comment: This sequence change replaces serine, which is neutral and polar, with glycine, which is neutral and non-polar, at codon 331 of the BCL11B protein (p.Ser331Gly). This variant is not present in population databases (gnomAD no frequency). This variant has not been reported in the literature in individuals affected with BCL11B-related conditions. An algorithm developed to predict the effect of missense changes on protein structure and function (PolyPhen-2) suggests that this variant is likely to be tolerated. In summary, the available evidence is currently insufficient to determine the role of this variant in disease. Therefore, it has been classified as a Variant of Uncertain Significance.